The following is an entry in ClinVar:

NM_005121.3(MED13):c.3776C>T (p.Ser1259Leu)

Gene: MED13 (mediator complex subunit 13; minus strand). Cytogenetic location: 17q23.2.
Variant type: single nucleotide variant.
Coding change: c.3776C>T on transcript NM_005121.3 (MANE Select); coding-DNA position 3776, C replaced by T.
Protein change: p.Ser1259Leu; replaces serine 1259 with leucine.
Molecular consequence: missense variant.
Genome position (GRCh38, 1-based): chr17:61,982,227, G>A on the plus strand (C>T on the coding strand, the complement: MED13 is on the minus strand). VCF-style: chr17-61982227-G-A. GRCh37 (hg19) VCF-style: chr17-60059588-G-A.
Other names: short protein forms S1259L.
Identifiers: ClinVar variation 2572964 (VCV002572964.3), dbSNP rs368798104, ClinGen allele CA292813343.

ClinVar aggregate classification (germline): Uncertain significance. Review status: criteria provided, multiple submitters, no conflicts (2 of 4 stars). 2 submissions from 2 submitters: Uncertain significance (2). Last evaluated 2025-08-22.

Conditions:
Inborn genetic diseases. Identifiers: MedGen C0950123, MeSH D030342.

Allele frequency attached by ClinVar (database versions not stated): ESP Exome Variant Server 0.00008.

Submissions (2):

Ambry Genetics
Classification: Uncertain significance for Inborn genetic diseases. Last evaluated: 2025-08-22. Review status: criteria provided, single submitter. Criteria: Ambry Variant Classification Scheme 2023. Collection method: clinical testing. Allele origin: germline.

GeneDx
Classification: Uncertain significance. Last evaluated: 2025-03-13. Review status: criteria provided, single submitter. Criteria: GeneDx Variant Classification Process June 2021. Collection method: clinical testing. Allele origin: germline. Affected: yes.
Comment: Not observed at significant frequency in large population cohorts (gnomAD); In silico analysis indicates that this missense variant does not alter protein structure/function; Has not been previously published as pathogenic or benign to our knowledge